The following is an entry in ClinVar:

ClinVar aggregate classification (germline): Likely benign (1 of 4 stars; one submission).

Submission:

CeGaT Center for Human Genetics Tuebingen
Classification: Likely benign. Last evaluated: 2024-08-01. Review status: criteria provided, single submitter. Criteria: CeGaT Center For Human Genetics Tuebingen Variant Classification Criteria Version 2. Collection method: clinical testing. Allele origin: germline. Affected: yes. Observed: 1 variant allele.
Comment: KMT2C: BP4, BP7

NM_170606.3(KMT2C):c.2721A>C (p.Arg907=)

Gene: KMT2C (lysine methyltransferase 2C; minus strand). Cytogenetic location: 7q36.1.
Variant type: single nucleotide variant.
Coding change: c.2721A>C on transcript NM_170606.3 (MANE Select); coding-DNA position 2721, A replaced by C.
Protein change: p.Arg907=; no amino-acid change (arginine 907 retained).
Molecular consequence: synonymous variant.
Genome position (GRCh38, 1-based): chr7:152,235,865, T>G on the plus strand (A>C on the coding strand, the complement: KMT2C is on the minus strand). VCF-style: chr7-152235865-T-G. GRCh37 (hg19) VCF-style: chr7-151932950-T-G.
Identifiers: ClinVar variation 3341766 (VCV003341766.16).